The following is an entry in ClinVar:

ClinVar aggregate classification (germline): Likely benign. Review status: criteria provided, multiple submitters, no conflicts (2 of 4 stars). 4 submissions from 4 submitters: Likely benign (4). Last evaluated 2025-12-01.

Conditions:
PLEKHG5-related disorder. Also called: PLEKHG5-related condition.
Inborn genetic diseases. Identifiers: MedGen C0950123, MeSH D030342.
Charcot-Marie-Tooth disease recessive intermediate C. Also called: CHARCOT-MARIE-TOOTH NEUROPATHY, RECESSIVE INTERMEDIATE C. Identifiers: Orphanet 369867, MedGen C3809309, MONDO:0014154, OMIM 615376.
Neuronopathy, distal hereditary motor, autosomal recessive 4. Also called: Autosomal recessive lower motor neuron disease with childhood onset; NEUROPATHY, DISTAL HEREDITARY MOTOR, AUTOSOMAL RECESSIVE 4. Identifiers: Orphanet 206580, MedGen C1970211, MONDO:0012608, OMIM 611067.

Allele frequency attached by ClinVar (database versions not stated): gnomAD 0.00011 and 0.00012; TOPMed 0.00013; ExAC 0.00018; gnomAD exomes 0.00018 and 0.00023; ESP Exome Variant Server 0.00023.

Submissions (4):

Labcorp Genetics (formerly Invitae), Labcorp
Classification: Likely benign for Neuronopathy, distal hereditary motor, autosomal recessive 4; Charcot-Marie-Tooth disease recessive intermediate C. Last evaluated: 2025-12-01. Review status: criteria provided, single submitter. Criteria: Invitae Variant Classification Sherloc (09022015). Collection method: clinical testing. Allele origin: germline.

PreventionGenetics, part of Exact Sciences
Classification: Likely benign for PLEKHG5-related condition. Last evaluated: 2025-11-25. Review status: criteria provided, single submitter. Criteria: ACMG Guidelines, 2015. Collection method: clinical testing. Allele origin: germline.
Comment: This variant is classified as likely benign based on ACMG/AMP sequence variant interpretation guidelines (Richards et al. 2015 PMID: 25741868, with internal and published modifications).

Ambry Genetics
Classification: Likely benign for Inborn genetic diseases. Last evaluated: 2019-07-11. Review status: criteria provided, single submitter. Criteria: Ambry Variant Classification Scheme 2023. Collection method: clinical testing. Allele origin: germline.

GeneDx
Classification: Likely benign. Last evaluated: 2017-03-03. Review status: criteria provided, single submitter. Criteria: GeneDx Variant Classification (06012015). Collection method: clinical testing. Allele origin: germline. Affected: yes.
Comment: This variant is considered likely benign or benign based on one or more of the following criteria: it is a conservative change, it occurs at a poorly conserved position in the protein, it is predicted to be benign by multiple in silico algorithms, and/or has population frequency not consistent with disease.

NM_020631.6(PLEKHG5):c.414C>T (p.Phe138=)

Gene: PLEKHG5 (pleckstrin homology and RhoGEF domain containing G5; minus strand). Cytogenetic location: 1p36.31.
Variant type: single nucleotide variant.
Coding change: c.414C>T on transcript NM_020631.6 (MANE Select); coding-DNA position 414, C replaced by T.
Protein change: p.Phe138=; no amino-acid change (phenylalanine 138 retained).
Molecular consequence: synonymous variant.
Genome position (GRCh38, 1-based): chr1:6,474,476, G>A on the plus strand (C>T on the coding strand, the complement: PLEKHG5 is on the minus strand). VCF-style: chr1-6474476-G-A. GRCh37 (hg19) VCF-style: chr1-6534536-G-A.
Other names: c.525C>T, p.Phe175= (NM_001042663.3, NM_001265592.2); c.414C>T, p.Phe138= (NM_001042664.2, NM_001042665.2, NM_001265594.3 and 1 more transcripts); c.621C>T, p.Phe207= (NM_001265593.2).
Identifiers: ClinVar variation 468915 (VCV000468915.15), dbSNP rs375075005, ClinGen allele CA561869.